The following is an entry in ClinVar:

ClinVar aggregate classification (germline): Uncertain significance (1 of 4 stars; one submission).

Conditions:
Developmental and epileptic encephalopathy, 1 (DEE1). Also called: INFANTILE SPASM SYNDROME, X-LINKED 1; X-linked infantile spasms; West's syndrome; Tonic spasms with clustering, arrest of psychomotor development and hypsarrhythmia on EEG; X-Linked Infantile Spasm Syndrome; OHTAHARA SYNDROME, X-LINKED. Identifiers: MedGen C3463992, MONDO:0010632, OMIM 308350. Disease mechanism: loss of function.
Autosomal dominant nonsyndromic hearing loss 65. Also called: TBC1D24-Related Autosomal Dominant Nonsyndromic Hearing Loss (DFNA); Deafness, autosomal dominant 65. Identifiers: Orphanet 90635, MedGen C3892048, MONDO:0014470, OMIM 616044.

Allele frequency attached by ClinVar (database versions not stated): TOPMed 0.00002.
gnomAD v4.1: 5 of 1,608,674 alleles (0.00031%); highest among the groups gnomAD compares: Non-Finnish European, 0.00042%; no homozygotes.

Submission:

Labcorp Genetics (formerly Invitae), Labcorp
Classification: Uncertain significance for Developmental and epileptic encephalopathy, 1; Autosomal dominant nonsyndromic hearing loss 65. Last evaluated: 2022-03-19. Review status: criteria provided, single submitter. Criteria: Invitae Variant Classification Sherloc (09022015). Collection method: clinical testing. Allele origin: germline.
Comment: In summary, the available evidence is currently insufficient to determine the role of this variant in disease. Therefore, it has been classified as a Variant of Uncertain Significance. Advanced modeling of protein sequence and biophysical properties (such as structural, functional, and spatial information, amino acid conservation, physicochemical variation, residue mobility, and thermodynamic stability) performed at Invitae indicates that this missense variant is not expected to disrupt TBC1D24 protein function. ClinVar contains an entry for this variant (Variation ID: 861926). This variant has not been reported in the literature in individuals affected with TBC1D24-related conditions. This variant is not present in population databases (gnomAD no frequency). This sequence change replaces valine, which is neutral and non-polar, with leucine, which is neutral and non-polar, at codon 137 of the TBC1D24 protein (p.Val137Leu).

NM_001199107.2(TBC1D24):c.409G>T (p.Val137Leu)

Gene: TBC1D24 (TBC1 domain family member 24; plus strand). Cytogenetic location: 16p13.3.
Variant type: single nucleotide variant.
Coding change: c.409G>T on transcript NM_001199107.2 (MANE Select); coding-DNA position 409, G replaced by T.
Protein change: p.Val137Leu; replaces valine 137 with leucine.
Molecular consequence: missense variant.
Genome position (GRCh38, 1-based): chr16:2,496,557, G>T. VCF-style: chr16-2496557-G-T. GRCh37 (hg19) VCF-style: chr16-2546558-G-T.
Other names: c.409G>T, p.Val137Leu (NM_020705.3); short protein forms V137L.
Identifiers: ClinVar variation 861926 (VCV000861926.10), dbSNP rs200263150, ClinGen allele CA394375876.